The following is an entry in ClinVar:

NM_006384.4(CIB1):c.244G>C (p.Ala82Pro)

Gene: CIB1 (calcium and integrin binding 1; minus strand). Cytogenetic location: 15q26.1.
Variant type: single nucleotide variant.
Coding change: c.244G>C on transcript NM_006384.4 (MANE Select); coding-DNA position 244, G replaced by C.
Protein change: p.Ala82Pro; replaces alanine 82 with proline.
Molecular consequence: missense variant. On other transcripts: non-coding transcript variant (2).
Genome position (GRCh38, 1-based): chr15:90,231,459, C>G on the plus strand (G>C on the coding strand, the complement: CIB1 is on the minus strand). VCF-style: chr15-90231459-C-G. GRCh37 (hg19) VCF-style: chr15-90774691-C-G.
Other names: c.364G>C, p.Ala122Pro (NM_001277764.2); short protein forms A82P, A122P.
Identifiers: ClinVar variation 1524552 (VCV001524552.8), dbSNP rs562237879, ClinGen allele CA393814275.
Genomic context (GRCh38, chr15:90,231,459, plus strand): 5'-CTGTGTCACTGAACACACTGAGGAGATCCAGGAAGTCCTCAAAGCTAAGGCTGTCTTTGG[C>G]TGGGGATGTGGAGAAGACCCTGCAGATTCGCTCCTTGAAGGGGTTGGCCTAGGAGAACAA-3'
Protein context (NP_006375.2, residues 72-92): RICRVFSTSP[Ala82Pro]KDSLSFEDFL

ClinVar aggregate classification (germline): Uncertain significance (1 of 4 stars; one submission).

gnomAD v4.1: 1 of 1,614,228 alleles (0.000062%); highest among the groups gnomAD compares: Non-Finnish European, 0.000085%; no homozygotes.

Submission:

Labcorp Genetics (formerly Invitae), Labcorp
Classification: Uncertain significance. Last evaluated: 2024-01-22. Review status: criteria provided, single submitter. Criteria: Invitae Variant Classification Sherloc (09022015). Collection method: clinical testing. Allele origin: germline.
Comment: This sequence change replaces alanine, which is neutral and non-polar, with proline, which is neutral and non-polar, at codon 122 of the CIB1 protein (p.Ala122Pro). This variant is not present in population databases (gnomAD no frequency). This variant has not been reported in the literature in individuals affected with CIB1-related conditions. ClinVar contains an entry for this variant (Variation ID: 1524552). Experimental studies and prediction algorithms are not available or were not evaluated, and the functional significance of this variant is currently unknown. In summary, the available evidence is currently insufficient to determine the role of this variant in disease. Therefore, it has been classified as a Variant of Uncertain Significance.